The following is an entry in ClinVar:

NM_001457.4(FLNB):c.6634+3G>A

Gene: FLNB (filamin B; plus strand). Cytogenetic location: 3p14.3.
Variant type: single nucleotide variant.
Coding change: c.6634+3G>A on transcript NM_001457.4 (MANE Select); 3 bases into the intron after coding-DNA position 6634, G replaced by A.
Molecular consequence: intron variant.
Genome position (GRCh38, 1-based): chr3:58,153,644, G>A. VCF-style: chr3-58153644-G-A. GRCh37 (hg19) VCF-style: chr3-58139371-G-A.
Other names: c.6727+3G>A (NM_001164317.2); c.6601+3G>A (NM_001164318.2); c.6562+3G>A (NM_001164319.2).
Identifiers: ClinVar variation 3674216 (VCV003674216.2).
Genomic context (GRCh38, chr3:58,153,644, plus strand): 5'-GCCCACAAGGTGCGGGCAGGAGGCCCTGGCCTGGAGAGAGGAGAAGCGGGAGTCCCAGGT[G>A]AGCATTGCGGGCAGGATTTTCACTTGGGAAGAATAGAGTTGAGCCCAGGCAGTGTGGGCA-3'

ClinVar aggregate classification (germline): Uncertain significance (1 of 4 stars; one submission).

gnomAD v4.1: 13 of 1,613,856 alleles (0.00081%); highest among the groups gnomAD compares: Non-Finnish European, 0.001%; no homozygotes.

Submission:

Labcorp Genetics (formerly Invitae), Labcorp
Classification: Uncertain significance. Last evaluated: 2025-01-01. Review status: criteria provided, single submitter. Criteria: Invitae Variant Classification Sherloc (09022015). Collection method: clinical testing. Allele origin: germline.
Comment: This sequence change falls in intron 39 of the FLNB gene. It does not directly change the encoded amino acid sequence of the FLNB protein. It affects a nucleotide within the consensus splice site. This variant is present in population databases (rs774310256, gnomAD 0.0009%). This variant has not been reported in the literature in individuals affected with FLNB-related conditions. Variants that disrupt the consensus splice site are a relatively common cause of aberrant splicing (PMID: 17576681, 9536098). Algorithms developed to predict the effect of sequence changes on RNA splicing suggest that this variant is not likely to affect RNA splicing. In summary, the available evidence is currently insufficient to determine the role of this variant in disease. Therefore, it has been classified as a Variant of Uncertain Significance.

Literature cited by the submitters: PubMed 17576681; PubMed 9536098.